The following is an entry in ClinVar:

NM_021167.5(GATAD1):c.716C>T (p.Thr239Ile)

Gene: GATAD1 (GATA zinc finger domain containing 1; plus strand). Cytogenetic location: 7q21.2.
Variant type: single nucleotide variant.
Coding change: c.716C>T on transcript NM_021167.5 (MANE Select); coding-DNA position 716, C replaced by T.
Protein change: p.Thr239Ile; replaces threonine 239 with isoleucine.
Molecular consequence: missense variant. On other transcripts: non-coding transcript variant (1).
Genome position (GRCh38, 1-based): chr7:92,456,468, C>T. VCF-style: chr7-92456468-C-T. GRCh37 (hg19) VCF-style: chr7-92085782-C-T.
Other names: short protein forms T239I.
Identifiers: ClinVar variation 3227585 (VCV003227585.1), dbSNP rs781433178, ClinGen allele CA4340360.

ClinVar aggregate classification (germline): Uncertain significance (1 of 4 stars; one submission).

Conditions:
Cardiovascular phenotype. Identifiers: MedGen CN230736.

Allele frequency attached by ClinVar (database versions not stated): gnomAD exomes below 0.00001; ExAC 0.00001; gnomAD 0.00001.
gnomAD v4.1: 2 of 1,611,068 alleles (0.00012%); highest among the groups gnomAD compares: Non-Finnish European, 0.00017%; no homozygotes.

Submission:

Ambry Genetics
Classification: Uncertain significance for Cardiovascular phenotype. Last evaluated: 2023-12-14. Review status: criteria provided, single submitter. Criteria: Ambry Variant Classification Scheme 2023. Collection method: clinical testing. Allele origin: germline.
Comment: The p.T239I variant (also known as c.716C>T), located in coding exon 5 of the GATAD1 gene, results from a C to T substitution at nucleotide position 716. The threonine at codon 239 is replaced by isoleucine, an amino acid with similar properties. This amino acid position is conserved. In addition, the in silico prediction for this alteration is inconclusive. Since supporting evidence is limited at this time, the clinical significance of this alteration remains unclear.